The following is an entry in ClinVar:

NM_000814.6(GABRB3):c.58G>A (p.Ala20Thr)

Gene: GABRB3 (gamma-aminobutyric acid type A receptor subunit beta3; minus strand). Cytogenetic location: 15q12.
Variant type: single nucleotide variant.
Coding change: c.58G>A on transcript NM_000814.6 (MANE Select); coding-DNA position 58, G replaced by A.
Protein change: p.Ala20Thr; replaces alanine 20 with threonine.
Molecular consequence: missense variant. On other transcripts: 5 prime UTR variant (1), intron variant (1).
Genome position (GRCh38, 1-based): chr15:26,772,905, C>T on the plus strand (G>A on the coding strand, the complement: GABRB3 is on the minus strand). VCF-style: chr15-26772905-C-T. GRCh37 (hg19) VCF-style: chr15-27018052-C-T.
Other names: c.-294G>A (NM_001278631.2); c.81-133G>A (NM_021912.5); short protein forms A20T.
Identifiers: ClinVar variation 4787968 (VCV004787968.1).
Genomic context (GRCh38, chr15:26,772,905, plus strand): 5'-GCCCTGCCCGCCGCCCGCCGGCCCACCCGCGACCCTACCTCTGGGCGCAGCACACCACAG[C>T]CACCAGCACCGGGGCCGAGAAGATGCCGAAAAGCCTTCCTCCCGCAAGGCCCCACATCCC-3'
Protein context (NP_000805.1, residues 10-30): FGIFSAPVLV[Ala20Thr]VVCCAQSVND

ClinVar aggregate classification (germline): Uncertain significance (1 of 4 stars; one submission).

Conditions:
Epilepsy, childhood absence, susceptibility to, 1. Also called: Epilepsy, childhood absence 1. Identifiers: Orphanet 64280, MedGen C1838604, MONDO:0020759, OMIM 600131.
Epilepsy, childhood absence, susceptibility to, 5. Identifiers: Orphanet 64280, MedGen C2677087, MONDO:0012843, OMIM 612269.

Submission:

Labcorp Genetics (formerly Invitae), Labcorp
Classification: Uncertain significance for Epilepsy, childhood absence, susceptibility to, 5; Epilepsy, childhood absence, susceptibility to, 1. Last evaluated: 2026-01-28. Review status: criteria provided, single submitter. Criteria: Invitae Variant Classification Sherloc (09022015). Collection method: clinical testing. Allele origin: germline.
Comment: This sequence change replaces alanine, which is neutral and non-polar, with threonine, which is neutral and polar, at codon 20 of the GABRB3 protein (p.Ala20Thr). This variant is not present in population databases (gnomAD no frequency). This variant has not been reported in the literature in individuals affected with GABRB3-related conditions. Invitae Evidence Modeling of protein sequence and biophysical properties (such as structural, functional, and spatial information, amino acid conservation, physicochemical variation, residue mobility, and thermodynamic stability) indicates that this missense variant is not expected to disrupt GABRB3 protein function with a negative predictive value of 95%. In summary, the available evidence is currently insufficient to determine the role of this variant in disease. Therefore, it has been classified as a Variant of Uncertain Significance.